The following is an entry in ClinVar:

NM_181078.3(IL21R):c.1403G>A (p.Arg468Gln)

Genes: IL21R (interleukin 21 receptor; plus strand), IL21R-AS1 (IL21R antisense RNA 1; minus strand), LOC130058713 (ATAC-STARR-seq lymphoblastoid active region 10627; plus strand). Cytogenetic location: 16p12.1.
Variant type: single nucleotide variant.
Coding change: c.1403G>A on transcript NM_181078.3 (MANE Select); coding-DNA position 1403, G replaced by A.
Protein change: p.Arg468Gln; replaces arginine 468 with glutamine.
Molecular consequence: missense variant. On other transcripts: non-coding transcript variant (1).
Genome position (GRCh38, 1-based): chr16:27,449,069, G>A. VCF-style: chr16-27449069-G-A. GRCh37 (hg19) VCF-style: chr16-27460390-G-A.
Other names: c.1403G>A, p.Arg468Gln (NM_021798.4); c.1469G>A, p.Arg490Gln (NM_181079.5); short protein forms R468Q, R490Q.
Identifiers: ClinVar variation 1369729 (VCV001369729.7), dbSNP rs779279193, ClinGen allele CA7975195.

ClinVar aggregate classification (germline): Uncertain significance. Review status: criteria provided, multiple submitters, no conflicts (2 of 4 stars). 2 submissions from 2 submitters: Uncertain significance (2). Last evaluated 2024-06-27.

Conditions:
Cryptosporidiosis-chronic cholangitis-liver disease syndrome. Also called: IL21R immunodeficiency; Immunodeficiency type 56. Identifiers: Orphanet 357329, MedGen C3554687, MONDO:0014082, OMIM 615207.

Allele frequency attached by ClinVar (database versions not stated): gnomAD 0.00003; TOPMed 0.00003; ExAC 0.00005.
gnomAD v4.1: 50 of 1,612,664 alleles (0.0031%); highest among the groups gnomAD compares: African/African-American, 0.0093%; no homozygotes.

Submissions (2):

Blueprint Genetics
Classification: Uncertain significance. Last evaluated: 2024-06-27. Review status: criteria provided, single submitter. Criteria: ACMG Guidelines, 2015. Collection method: clinical testing. Allele origin: germline.

Labcorp Genetics (formerly Invitae), Labcorp
Classification: Uncertain significance for Cryptosporidiosis-chronic cholangitis-liver disease syndrome. Last evaluated: 2021-06-25. Review status: criteria provided, single submitter. Criteria: Invitae Variant Classification Sherloc (09022015). Collection method: clinical testing. Allele origin: germline.
Comment: In summary, the available evidence is currently insufficient to determine the role of this variant in disease. Therefore, it has been classified as a Variant of Uncertain Significance. Algorithms developed to predict the effect of sequence changes on RNA splicing suggest that this variant may create or strengthen a splice site, but this prediction has not been confirmed by published transcriptional studies. Algorithms developed to predict the effect of missense changes on protein structure and function are either unavailable or do not agree on the potential impact of this missense change (SIFT: "Tolerated"; PolyPhen-2: "Possibly Damaging"; Align-GVGD: "Class C0"). This variant has not been reported in the literature in individuals with IL21R-related conditions. This variant is present in population databases (rs779279193, ExAC 0.02%). This sequence change replaces arginine with glutamine at codon 468 of the IL21R protein (p.Arg468Gln). The arginine residue is weakly conserved and there is a small physicochemical difference between arginine and glutamine.